The following is an entry in ClinVar:

NM_006642.5(SDCCAG8):c.952G>C (p.Ala318Pro)

Gene: SDCCAG8 (SHH signaling and ciliogenesis regulator SDCCAG8; plus strand). Cytogenetic location: 1q43.
Variant type: single nucleotide variant.
Coding change: c.952G>C on transcript NM_006642.5 (MANE Select); coding-DNA position 952, G replaced by C.
Protein change: p.Ala318Pro; replaces alanine 318 with proline.
Molecular consequence: missense variant.
Genome position (GRCh38, 1-based): chr1:243,316,777, G>C. VCF-style: chr1-243316777-G-C. GRCh37 (hg19) VCF-style: chr1-243480079-G-C.
Other names: c.49G>C, p.Ala17Pro (NM_001350246.2, NM_001350247.2, NM_001350251.2); c.1048G>C, p.Ala350Pro (NM_001350248.2); c.658G>C, p.Ala220Pro (NM_001350249.2); short protein forms A17P, A220P, A318P, A350P.
Identifiers: ClinVar variation 1007223 (VCV001007223.8), dbSNP rs2073277628, ClinGen allele CA345480682.
Genomic context (GRCh38, chr1:243,316,777, plus strand): 5'-ATCATTTCTTGTTTTGAATGTTCTTTTTGTGCTGACAGAGAAAGAGATGACTTGATGTCT[G>C]CACTAGTTTCCGTAAGGAGCAGCTTGGCAGATACGCAGCAAAGAGAAGCAAGTGCTTATG-3'
Protein context (NP_006633.1, residues 308-328): LVKERDDLMS[Ala318Pro]LVSVRSSLAD

ClinVar aggregate classification (germline): Uncertain significance (1 of 4 stars; one submission).

Conditions:
Senior-Loken syndrome 7 (SLSN7). Identifiers: Orphanet 3156, MedGen C3150877, MONDO:0013326, OMIM 613615.
Bardet-Biedl syndrome 16 (BBS16). Identifiers: Orphanet 110, MedGen C3889474, MONDO:0014444, OMIM 615993.

Allele frequency attached by ClinVar (database versions not stated): gnomAD exomes below 0.00001.
gnomAD v4.1: 1 of 1,614,194 alleles (0.000062%); highest among the groups gnomAD compares: Non-Finnish European, 0.000085%; no homozygotes.

Submission:

Labcorp Genetics (formerly Invitae), Labcorp
Classification: Uncertain significance for Bardet-Biedl syndrome 16; Senior-Loken syndrome 7. Last evaluated: 2020-08-20. Review status: criteria provided, single submitter. Criteria: Invitae Variant Classification Sherloc (09022015). Collection method: clinical testing. Allele origin: germline.
Comment: In summary, the available evidence is currently insufficient to determine the role of this variant in disease. Therefore, it has been classified as a Variant of Uncertain Significance. Algorithms developed to predict the effect of missense changes on protein structure and function are either unavailable or do not agree on the potential impact of this missense change (SIFT: "Deleterious"; PolyPhen-2: "Probably Damaging"; Align-GVGD: "Class C0"). This variant has not been reported in the literature in individuals with SDCCAG8-related conditions. This variant is not present in population databases (ExAC no frequency). This sequence change replaces alanine with proline at codon 318 of the SDCCAG8 protein (p.Ala318Pro). The alanine residue is moderately conserved and there is a small physicochemical difference between alanine and proline.